The following is an entry in ClinVar:

ClinVar aggregate classification (germline): Uncertain significance (1 of 4 stars; one submission).

Conditions:
IFT172-related disorder. Also called: IFT172-related condition; IFT172-related disorders.

Submission:

PreventionGenetics, part of Exact Sciences
Classification: Uncertain significance for IFT172-related condition. Last evaluated: 2025-07-24. Review status: criteria provided, single submitter. Criteria: ACMG Guidelines, 2015. Collection method: clinical testing. Allele origin: germline.
Comment: The IFT172 c.5180G>T variant is predicted to result in the amino acid substitution p.Cys1727Phe. To our knowledge, this variant has not been reported in the literature or in a large population database (gnomAD), indicating this variant is rare. However, a different missense variant at the same amino acid residue, c.5179T>C (p.Cys1727Arg), has been reported as pathogenic in individuals with asphyxiating thoracic dystrophy and Mainzer-Saldino syndrome (Halbritter et al. 2013. PubMed ID: 24140113; Lucas-Herald et al. 2015. PubMed ID: 25664603). Although we suspect that this variant may be pathogenic, at this time, the clinical significance of this variant is uncertain due to the absence of conclusive functional and genetic evidence.

NM_015662.3(IFT172):c.5180G>T (p.Cys1727Phe)

Genes: IFT172 (intraflagellar transport 172; minus strand), KRTCAP3 (keratinocyte associated protein 3; plus strand). Cytogenetic location: 2p23.3.
Variant type: single nucleotide variant.
Coding change: c.5180G>T on transcript NM_015662.3 (MANE Select); coding-DNA position 5180, G replaced by T.
Protein change: p.Cys1727Phe; replaces cysteine 1727 with phenylalanine.
Molecular consequence: missense variant. On other transcripts: intron variant (1).
Genome position (GRCh38, 1-based): chr2:27,444,502, C>A on the plus strand (G>T on the coding strand, the complement: IFT172 is on the minus strand). VCF-style: chr2-27444502-C-A. GRCh37 (hg19) VCF-style: chr2-27667369-C-A.
Other names: c.5114G>T, p.Cys1705Phe (NM_001410739.1); c.*5+441C>A (NM_001168364.2); short protein forms C1727F, C1705F.
Identifiers: ClinVar variation 4982176 (VCV004982176.1).